The following is an entry in ClinVar:

NM_004984.4(KIF5A):c.2719A>G (p.Lys907Glu)

Gene: KIF5A (kinesin family member 5A; plus strand). Cytogenetic location: 12q13.3.
Variant type: single nucleotide variant.
Coding change: c.2719A>G on transcript NM_004984.4 (MANE Select); coding-DNA position 2719, A replaced by G.
Protein change: p.Lys907Glu; replaces lysine 907 with glutamic acid.
Molecular consequence: missense variant.
Genome position (GRCh38, 1-based): chr12:57,581,136, A>G. VCF-style: chr12-57581136-A-G. GRCh37 (hg19) VCF-style: chr12-57974919-A-G.
Other names: c.2452A>G, p.Lys818Glu (NM_001354705.2); short protein forms K907E, K818E.
Identifiers: ClinVar variation 3009106 (VCV003009106.3), dbSNP rs2540514880, ClinGen allele CA385515361.
Genomic context (GRCh38, chr12:57,581,136, plus strand): 5'-ATGAAGGACAAGCGCCGGTACCAGCAGGAGGTGGACCGCATCAAGGAGGCCGTTCGCTAC[A>G]AGAGCTCGGGCAAACGGGGCCATTCTGCCCAGATTGGTGAGTAGGTGTTAGCAGGCAAGG-3'
Protein context (NP_004975.2, residues 897-917): VDRIKEAVRY[Lys907Glu]SSGKRGHSAQ

ClinVar aggregate classification (germline): Uncertain significance (1 of 4 stars; one submission).

Conditions:
Spastic paraplegia. Identifiers: MedGen C0037772, HP:0001258.

Submission:

Labcorp Genetics (formerly Invitae), Labcorp
Classification: Uncertain significance for Spastic paraplegia. Last evaluated: 2023-10-18. Review status: criteria provided, single submitter. Criteria: Invitae Variant Classification Sherloc (09022015). Collection method: clinical testing. Allele origin: germline.
Comment: This sequence change replaces lysine, which is basic and polar, with glutamic acid, which is acidic and polar, at codon 907 of the KIF5A protein (p.Lys907Glu). This variant is not present in population databases (gnomAD no frequency). This variant has not been reported in the literature in individuals affected with KIF5A-related conditions. Advanced modeling of protein sequence and biophysical properties (such as structural, functional, and spatial information, amino acid conservation, physicochemical variation, residue mobility, and thermodynamic stability) has been performed at Invitae for this missense variant, however the output from this modeling did not meet the statistical confidence thresholds required to predict the impact of this variant on KIF5A protein function. In summary, the available evidence is currently insufficient to determine the role of this variant in disease. Therefore, it has been classified as a Variant of Uncertain Significance.